The following is an entry in ClinVar:

ClinVar aggregate classification (germline): Likely benign. Review status: criteria provided, multiple submitters, no conflicts (2 of 4 stars). 4 submissions from 4 submitters: Likely benign (3). 1 of the submissions does not count toward it. Last evaluated 2026-05-01.

Conditions:
PCDH12-related disorder. Also called: PCDH12-related condition.

Allele frequency attached by ClinVar (database versions not stated): 1000 Genomes Project 30x 0.00141; 1000 Genomes Project 0.00180; TOPMed 0.00301; ESP Exome Variant Server 0.00323; gnomAD 0.00344 and 0.00357; gnomAD exomes 0.00425 and 0.00456; ExAC 0.00487.
gnomAD v4.1: 7,132 of 1,614,184 alleles (0.44%); highest among the groups gnomAD compares: Non-Finnish European, 0.51%; 27 homozygotes.

Submissions (4):

CeGaT Center for Human Genetics Tuebingen
Classification: Likely benign. Last evaluated: 2026-05-01. Review status: criteria provided, single submitter. Criteria: CeGaT Center For Human Genetics Tuebingen Variant Classification Criteria Version 2. Collection method: clinical testing. Allele origin: germline. Affected: yes. Observed: 3 variant alleles.
Comment: PCDH12: BS2

Labcorp Genetics (formerly Invitae), Labcorp
Classification: Likely benign. Last evaluated: 2026-01-27. Review status: criteria provided, single submitter. Criteria: Invitae Variant Classification Sherloc (09022015). Collection method: clinical testing. Allele origin: germline.

Breakthrough Genomics
Classification: Likely benign. Review status: criteria provided, single submitter. Criteria: ACMG Guidelines, 2015. Collection method: not provided. Allele origin: germline. Inheritance: Autosomal recessive inheritance. Affected: yes.

PreventionGenetics, part of Exact Sciences
Classification: Benign for PCDH12-related condition. Last evaluated: 2019-12-02. Review status: no assertion criteria provided. Collection method: clinical testing. Allele origin: germline. Not counted in ClinVar's aggregate classification.
Comment: This variant is classified as benign based on ACMG/AMP sequence variant interpretation guidelines (Richards et al. 2015 PMID: 25741868, with internal and published modifications).

NM_016580.4(PCDH12):c.1735G>A (p.Val579Met)

Genes: PCDH12 (protocadherin 12; minus strand), RNF14 (ring finger protein 14; plus strand). Cytogenetic location: 5q31.3.
Variant type: single nucleotide variant.
Coding change: c.1735G>A on transcript NM_016580.4 (MANE Select); coding-DNA position 1735, G replaced by A.
Protein change: p.Val579Met; replaces valine 579 with methionine.
Molecular consequence: missense variant.
Genome position (GRCh38, 1-based): chr5:141,956,117, C>T on the plus strand (G>A on the coding strand, the complement: PCDH12 is on the minus strand). VCF-style: chr5-141956117-C-T. GRCh37 (hg19) VCF-style: chr5-141335682-C-T.
Other names: short protein forms V579M.
Identifiers: ClinVar variation 774634 (VCV000774634.33), dbSNP rs114449118, ClinGen allele CA3484351.